The following is an entry in ClinVar:

ClinVar aggregate classification (germline): Conflicting classifications of pathogenicity. Review status: criteria provided, conflicting classifications (1 of 4 stars). 9 submissions from 9 submitters: Uncertain significance (7); Likely benign (2). Last evaluated 2025-06-24.

Conditions:
Hereditary cancer-predisposing syndrome. Also called: Neoplastic Syndromes, Hereditary; Hereditary Cancer Syndrome; Tumor predisposition; Hereditary neoplastic syndrome. Identifiers: Orphanet 140162, MedGen C0027672, MeSH D009386, MONDO:0015356.
Peutz-Jeghers syndrome (PJS). Also called: POLYPOSIS, HAMARTOMATOUS INTESTINAL; POLYPS-AND-SPOTS SYNDROME; Peutz-Jeghers polyposis; Periorificial lentiginosis syndrome. Identifiers: Orphanet 2869, MedGen C0031269, MeSH D010580, MONDO:0008280, OMIM 175200.
Breast and/or ovarian cancer. Identifiers: MedGen CN221562.

gnomAD v4.1: 2 of 1,564,394 alleles (0.00013%); highest among the groups gnomAD compares: African/African-American, 0.0027%; no homozygotes.

Submissions (9):

Labcorp Genetics (formerly Invitae), Labcorp
Classification: Likely benign for Peutz-Jeghers syndrome. Last evaluated: 2025-06-24. Review status: criteria provided, single submitter. Criteria: Invitae Variant Classification Sherloc (09022015). Collection method: clinical testing. Allele origin: germline.

Ambry Genetics
Classification: Likely benign for Hereditary cancer-predisposing syndrome. Last evaluated: 2024-10-25. Review status: criteria provided, single submitter. Criteria: Ambry Variant Classification Scheme 2023. Collection method: clinical testing. Allele origin: germline.

GeneDx
Classification: Uncertain significance. Last evaluated: 2024-07-23. Review status: criteria provided, single submitter. Criteria: GeneDx Variant Classification Process June 2021. Collection method: clinical testing. Allele origin: germline. Affected: yes.
Comment: Not observed at significant frequency in large population cohorts (gnomAD); In silico analysis indicates that this missense variant does not alter protein structure/function; Observed in a breast cancer study, but it is not clear if the variant was identified in case(s) or control(s) (PMID: 31871109); This variant is associated with the following publications: (PMID: 28900777, 31871109)

All of Us Research Program, National Institutes of Health
Classification: Uncertain significance for Peutz-Jeghers syndrome. Last evaluated: 2024-05-30. Review status: criteria provided, single submitter. Criteria: ACMG Guidelines, 2015. Collection method: clinical testing. Allele origin: germline. Inheritance: Autosomal dominant inheritance. Observed: 2 variant alleles, 2 heterozygotes.
Comment: This missense variant replaces cysteine with serine at codon 418 of the STK11 protein. Computational prediction suggests that this variant may not impact protein structure and function (internally defined REVEL score threshold <= 0.5, PMID: 27666373). To our knowledge, functional studies have not been reported for this variant. This variant has not been reported in individuals affected with STK11-related disorders in the literature. This variant has not been identified in the general population by the Genome Aggregation Database (gnomAD). The available evidence is insufficient to determine the role of this variant in disease conclusively. Therefore, this variant is classified as a Variant of Uncertain Significance.

This study involves interpretation of variants in research participants for the purpose of population health screening. Participant phenotype was not available at the time of variant classification. Additional details can be found in publication PMID: 35346344, PMCID: PMC8962531

Color Diagnostics, LLC DBA Color Health
Classification: Uncertain significance for Hereditary cancer-predisposing syndrome. Last evaluated: 2024-05-15. Review status: criteria provided, single submitter. Criteria: ACMG Guidelines, 2015. Collection method: clinical testing. Allele origin: germline.
Comment: This missense variant replaces cysteine with serine at codon 418 of the STK11 protein. Computational prediction suggests that this variant may not impact protein structure and function. To our knowledge, functional studies have not been reported for this variant. This variant has not been reported in individuals affected with STK11-related disorders in the literature. This variant has not been identified in the general population by the Genome Aggregation Database (gnomAD). The available evidence is insufficient to determine the role of this variant in disease conclusively. Therefore, this variant is classified as a Variant of Uncertain Significance.

Blueprint Genetics
Classification: Uncertain significance. Last evaluated: 2022-12-09. Review status: criteria provided, single submitter. Criteria: ACMG Guidelines, 2015. Collection method: clinical testing. Allele origin: germline.

Revvity Omics, Revvity
Classification: Uncertain significance for Peutz-Jeghers syndrome. Last evaluated: 2022-11-24. Review status: criteria provided, single submitter. Criteria: ACMG Guidelines, 2015. Collection method: clinical testing. Allele origin: germline.

CHEO Genetics Diagnostic Laboratory, Children's Hospital of Eastern Ontario
Classification: Uncertain significance for Breast and/or ovarian cancer. Last evaluated: 2022-09-26. Review status: criteria provided, single submitter. Criteria: ACMG Guidelines, 2015. Collection method: clinical testing. Allele origin: germline.

Genome-Nilou Lab
Classification: Uncertain significance for Peutz-Jeghers syndrome. Last evaluated: 2021-07-15. Review status: criteria provided, single submitter. Criteria: ACMG Guidelines, 2015. Collection method: clinical testing. Allele origin: germline. Affected: no.

Literature cited by the submitters: PubMed 31871109 (cited by Ambry Genetics).

NM_000455.5(STK11):c.1253G>C (p.Cys418Ser)

Gene: STK11 (serine/threonine kinase 11; plus strand). Cytogenetic location: 19p13.3.
Variant type: single nucleotide variant.
Coding change: c.1253G>C on transcript NM_000455.5 (MANE Select); coding-DNA position 1253, G replaced by C.
Protein change: p.Cys418Ser; replaces cysteine 418 with serine.
Molecular consequence: missense variant.
Genome position (GRCh38, 1-based): chr19:1,226,598, G>C. VCF-style: chr19-1226598-G-C. GRCh37 (hg19) VCF-style: chr19-1226597-G-C.
Other names: short protein forms C418S.
Identifiers: ClinVar variation 237793 (VCV000237793.25), dbSNP rs878853986, ClinGen allele CA10583794.
Genomic context (GRCh38, chr19:1,226,598, plus strand): 5'-CGCAGCTGAGCACCAAATCCAGGGCGGAGGGCCGGGCCCCCAACCCTGCCCGCAAGGCCT[G>C]CTCCGCCAGCAGCAAGATCCGCCGGCTGTCGGCCTGCAAGCAGCAGTGAGGCTGGCCGCC-3'
Protein context (NP_000446.1, residues 408-428): GRAPNPARKA[Cys418Ser]SASSKIRRLS